The following is an entry in ClinVar:

ClinVar aggregate classification (germline): Uncertain significance (1 of 4 stars; one submission).

Conditions:
Perlman syndrome (PRLMNS). Identifiers: Orphanet 2849, MedGen C0796113, MONDO:0009965, OMIM 267000.

Allele frequency attached by ClinVar (database versions not stated): gnomAD exomes 0.00001; TOPMed 0.00001; ExAC 0.00002.
gnomAD v4.1: 22 of 1,614,228 alleles (0.0014%); highest among the groups gnomAD compares: Non-Finnish European, 0.0017%; no homozygotes.

Submission:

Labcorp Genetics (formerly Invitae), Labcorp
Classification: Uncertain significance for Perlman syndrome. Last evaluated: 2022-12-22. Review status: criteria provided, single submitter. Criteria: Invitae Variant Classification Sherloc (09022015). Collection method: clinical testing. Allele origin: germline.
Comment: This sequence change replaces methionine, which is neutral and non-polar, with valine, which is neutral and non-polar, at codon 500 of the DIS3L2 protein (p.Met500Val). This variant is present in population databases (rs778021901, gnomAD 0.002%). This variant has not been reported in the literature in individuals affected with DIS3L2-related conditions. Advanced modeling of protein sequence and biophysical properties (such as structural, functional, and spatial information, amino acid conservation, physicochemical variation, residue mobility, and thermodynamic stability) performed at Invitae indicates that this missense variant is not expected to disrupt DIS3L2 protein function. In summary, the available evidence is currently insufficient to determine the role of this variant in disease. Therefore, it has been classified as a Variant of Uncertain Significance.

NM_152383.5(DIS3L2):c.1498A>G (p.Met500Val)

Gene: DIS3L2 (DIS3 like 3'-5' exoribonuclease 2; plus strand). Cytogenetic location: 2q37.1.
Variant type: single nucleotide variant.
Coding change: c.1498A>G on transcript NM_152383.5 (MANE Select); coding-DNA position 1498, A replaced by G.
Protein change: p.Met500Val; replaces methionine 500 with valine.
Molecular consequence: missense variant. On other transcripts: non-coding transcript variant (2).
Genome position (GRCh38, 1-based): chr2:232,263,279, A>G. VCF-style: chr2-232263279-A-G. GRCh37 (hg19) VCF-style: chr2-233127989-A-G.
Other names: c.1498A>G, p.Met500Val (NM_001257281.2); short protein forms M500V.
Identifiers: ClinVar variation 2729235 (VCV002729235.3), dbSNP rs778021901, ClinGen allele CA2164172.
Genomic context (GRCh38, chr2:232,263,279, plus strand): 5'-TGGTTTGGCCGGACCATCATCCGCTCCTGCACCAAACTTAGCTACGAGCATGCACAGAGC[A>G]TGATTGAAAGCCCAACTGAGAAAATCCCTGCGAAAGAGCTGCCCCCCATTTCCCCAGAGC-3'
Protein context (NP_689596.4, residues 490-510): TKLSYEHAQS[Met500Val]IESPTEKIPA